The following is an entry in ClinVar:

NM_000334.4(SCN4A):c.3303C>G (p.Asp1101Glu)

Genes: GH-LCR (growth hormone locus control region; plus strand), SCN4A (sodium voltage-gated channel alpha subunit 4; minus strand). Cytogenetic location: 17q23.3.
Variant type: single nucleotide variant.
Coding change: c.3303C>G on transcript NM_000334.4 (MANE Select); coding-DNA position 3303, C replaced by G.
Protein change: p.Asp1101Glu; replaces aspartic acid 1101 with glutamic acid.
Molecular consequence: missense variant.
Genome position (GRCh38, 1-based): chr17:63,947,905, G>C on the plus strand (C>G on the coding strand, the complement: SCN4A is on the minus strand). VCF-style: chr17-63947905-G-C. GRCh37 (hg19) VCF-style: chr17-62025265-G-C.
Other names: short protein forms D1101E.
Identifiers: ClinVar variation 864499 (VCV000864499.17), dbSNP rs1908777669, ClinGen allele CA400620952.
Genomic context (GRCh38, chr17:63,947,905, plus strand): 5'-GACAGCCTCTGGATGTAGCTACGGGGCCAGCGTGGGGGGACTCACATCCACGATGAGGAA[G>C]TCGAGCCAGCACCAGGCGTTGGTGAAGTACACCTTAAAGCCGTAGGCCACCCATTTGAGC-3'
Protein context (NP_000325.4, residues 1091-1111): VYFTNAWCWL[Asp1101Glu]FLIVDVSIIS

ClinVar aggregate classification (germline): Uncertain significance (1 of 4 stars; one submission).

Conditions:
Hyperkalemic periodic paralysis. Also called: Familial hyperkalemic periodic paralysis; Gamstorp disease. Identifiers: Orphanet 682, MedGen C0238357, MONDO:0008224, OMIM 170500, HP:0007215.

Submission:

Labcorp Genetics (formerly Invitae), Labcorp
Classification: Uncertain significance for Hyperkalemic periodic paralysis. Last evaluated: 2020-04-07. Review status: criteria provided, single submitter. Criteria: Invitae Variant Classification Sherloc (09022015). Collection method: clinical testing. Allele origin: germline.
Comment: This variant is not present in population databases (ExAC no frequency). This variant has not been reported in the literature in individuals with SCN4A-related conditions. Algorithms developed to predict the effect of missense changes on protein structure and function (SIFT, PolyPhen-2, Align-GVGD) all suggest that this variant is likely to be disruptive, but these predictions have not been confirmed by published functional studies and their clinical significance is uncertain. In summary, the available evidence is currently insufficient to determine the role of this variant in disease. Therefore, it has been classified as a Variant of Uncertain Significance. This sequence change replaces aspartic acid with glutamic acid at codon 1101 of the SCN4A protein (p.Asp1101Glu). The aspartic acid residue is highly conserved and there is a small physicochemical difference between aspartic acid and glutamic acid.